The following is an entry in ClinVar:

NM_001164665.2(KIAA1549):c.4780C>T (p.Arg1594Trp)

Gene: KIAA1549 (KIAA1549; minus strand). Cytogenetic location: 7q34.
Variant type: single nucleotide variant.
Coding change: c.4780C>T on transcript NM_001164665.2 (MANE Select); coding-DNA position 4780, C replaced by T.
Protein change: p.Arg1594Trp; replaces arginine 1594 with tryptophan.
Molecular consequence: missense variant.
Genome position (GRCh38, 1-based): chr7:138,868,124, G>A on the plus strand (C>T on the coding strand, the complement: KIAA1549 is on the minus strand). VCF-style: chr7-138868124-G-A. GRCh37 (hg19) VCF-style: chr7-138552870-G-A.
Other names: c.4780C>T, p.Arg1594Trp (NM_020910.3); short protein forms R1594W.
Identifiers: ClinVar variation 2417949 (VCV002417949.5), dbSNP rs775397642, ClinGen allele CA4505752.
Genomic context (GRCh38, chr7:138,868,124, plus strand): 5'-CGTCGGCAGGACAGCCGTTGACCTGGTGTTTCCGGCGAGGCTTGGGAGAACGTTTTATCC[G>A]TGAGCTGCCAGGAAAAAGAGAAATTATCTTCGTAGGAAATCACCCTTTTTGCCACTGACT-3'
Protein context (NP_001158137.1, residues 1584-1604): SVFIEPRKSS[Arg1594Trp]IKRSPKPRRK

ClinVar aggregate classification (germline): Uncertain significance. Review status: criteria provided, multiple submitters, no conflicts (2 of 4 stars). 2 submissions from 2 submitters: Uncertain significance (2). Last evaluated 2024-06-13.

Allele frequency attached by ClinVar (database versions not stated): gnomAD 0.00001; gnomAD exomes 0.00001; TOPMed 0.00001; ExAC 0.00004.
gnomAD v4.1: 12 of 1,612,580 alleles (0.00074%); highest among the groups gnomAD compares: African/African-American, 0.0053%; no homozygotes.

Submissions (2):

Blueprint Genetics
Classification: Uncertain significance. Last evaluated: 2024-06-13. Review status: criteria provided, single submitter. Criteria: ACMG Guidelines, 2015. Collection method: clinical testing. Allele origin: germline.

Labcorp Genetics (formerly Invitae), Labcorp
Classification: Uncertain significance. Last evaluated: 2022-10-04. Review status: criteria provided, single submitter. Criteria: Invitae Variant Classification Sherloc (09022015). Collection method: clinical testing. Allele origin: germline.
Comment: In summary, the available evidence is currently insufficient to determine the role of this variant in disease. Therefore, it has been classified as a Variant of Uncertain Significance. Algorithms developed to predict the effect of missense changes on protein structure and function (SIFT, PolyPhen-2, Align-GVGD) all suggest that this variant is likely to be disruptive. This variant has not been reported in the literature in individuals affected with KIAA1549-related conditions. This variant is present in population databases (rs775397642, gnomAD 0.007%). This sequence change replaces arginine, which is basic and polar, with tryptophan, which is neutral and slightly polar, at codon 1594 of the KIAA1549 protein (p.Arg1594Trp).